The following is an entry in ClinVar:

ClinVar aggregate classification (germline): Uncertain significance. Review status: criteria provided, multiple submitters, no conflicts (2 of 4 stars). 2 submissions from 2 submitters: Uncertain significance (2). Last evaluated 2026-01-11.

Conditions:
Marfan syndrome (MFS). Also called: MARFAN SYNDROME, TYPE I; Marfan syndrome type 1; Marfan's syndrome; Marfan syndrome, classic; FBN1-Related Marfan Syndrome. Identifiers: Orphanet 284963, Orphanet 558, MedGen C0024796, MONDO:0007947, OMIM 154700.
Familial thoracic aortic aneurysm and aortic dissection (TAAD). Also called: Thoracic aortic aneurysms and dissections. Identifiers: Orphanet 91387, MedGen C4707243, MONDO:0019625.

gnomAD v4.1: 3 of 1,613,682 alleles (0.00019%); highest among the groups gnomAD compares: East Asian, 0.0067%; no homozygotes.

Submissions (2):

Labcorp Genetics (formerly Invitae), Labcorp
Classification: Uncertain significance for Marfan syndrome; Familial thoracic aortic aneurysm and aortic dissection. Last evaluated: 2026-01-11. Review status: criteria provided, single submitter. Criteria: Invitae Variant Classification Sherloc (09022015). Collection method: clinical testing. Allele origin: germline.
Comment: This sequence change replaces isoleucine, which is neutral and non-polar, with asparagine, which is neutral and polar, at codon 1257 of the FBN1 protein (p.Ile1257Asn). This variant is present in population databases (no rsID available, gnomAD 0.006%). This variant has not been reported in the literature in individuals affected with FBN1-related conditions. ClinVar contains an entry for this variant (Variation ID: 4281920). Invitae Evidence Modeling of protein sequence and biophysical properties (such as structural, functional, and spatial information, amino acid conservation, physicochemical variation, residue mobility, and thermodynamic stability) has been performed for this missense variant. However, the output from this modeling did not meet the statistical confidence thresholds required to predict the impact of this variant on FBN1 protein function. In summary, the available evidence is currently insufficient to determine the role of this variant in disease. Therefore, it has been classified as a Variant of Uncertain Significance.

GeneDx
Classification: Uncertain significance. Last evaluated: 2025-04-16. Review status: criteria provided, single submitter. Criteria: GeneDx Variant Classification Process June 2021. Collection method: clinical testing. Allele origin: germline. Affected: yes.
Comment: Not observed at significant frequency in large population cohorts (gnomAD); In silico analysis supports that this missense variant has a deleterious effect on protein structure/function; Has not been previously published as pathogenic or benign to our knowledge; Does not affect a cysteine or calcium-binding residue within an EGF-like domain or a TGF-binding protein domain of the FBN1 gene; cysteine substitutions in the EGF-like domains represent the majority of pathogenic missense changes associated with FBN1-related disorders (PMID: 12938084); This variant is associated with the following publications: (PMID: 12938084)

NM_000138.5(FBN1):c.3770T>A (p.Ile1257Asn)

Gene: FBN1 (fibrillin 1; minus strand). Cytogenetic location: 15q21.1.
Variant type: single nucleotide variant.
Coding change: c.3770T>A on transcript NM_000138.5 (MANE Select); coding-DNA position 3770, T replaced by A.
Protein change: p.Ile1257Asn; replaces isoleucine 1257 with asparagine.
Molecular consequence: missense variant.
Genome position (GRCh38, 1-based): chr15:48,483,886, A>T on the plus strand (T>A on the coding strand, the complement: FBN1 is on the minus strand). VCF-style: chr15-48483886-A-T. GRCh37 (hg19) VCF-style: chr15-48776083-A-T.
Other names: c.3770T>A, p.Ile1257Asn (NM_001406716.1); short protein forms I1257N.
Identifiers: ClinVar variation 4281920 (VCV004281920.2).
Genomic context (GRCh38, chr15:48,483,886, plus strand): 5'-GTCTTCATGTCTTCAGATGCCATGAATCCATCATAACACAAGCACCTGTACTCTCCAGGG[A>T]TATTTGTGCACTGACCACCATCACAGATATTGGGATTATCTTCACACTCATCGATGTCTG-3'
Protein context (NP_000129.3, residues 1247-1267): NICDGGQCTN[Ile1257Asn]PGEYRCLCYD